The following is an entry in ClinVar:

ClinVar aggregate classification (germline): Uncertain significance (1 of 4 stars; one submission).

Conditions:
Peroxisome biogenesis disorder 9B. Also called: PEX7-Related Refsum Disease; PEROXISOME BIOGENESIS DISORDER, PEX7-RELATED, ATYPICAL; Refsum disease, adult, 2. Identifiers: Orphanet 773, MedGen C2749346, MONDO:0013945, OMIM 614879.

Allele frequency attached by ClinVar (database versions not stated): TOPMed below 0.00001.

Submission:

Labcorp Genetics (formerly Invitae), Labcorp
Classification: Uncertain significance for Peroxisome biogenesis disorder 9B. Last evaluated: 2021-07-30. Review status: criteria provided, single submitter. Criteria: Invitae Variant Classification Sherloc (09022015). Collection method: clinical testing. Allele origin: germline.
Comment: This sequence change replaces phenylalanine with serine at codon 71 of the PEX7 protein (p.Phe71Ser). The phenylalanine residue is highly conserved and there is a large physicochemical difference between phenylalanine and serine. This variant is not present in population databases (ExAC no frequency). This variant has not been reported in the literature in individuals affected with PEX7-related conditions. Algorithms developed to predict the effect of missense changes on protein structure and function (SIFT, PolyPhen-2, Align-GVGD) all suggest that this variant is likely to be disruptive. In summary, the available evidence is currently insufficient to determine the role of this variant in disease. Therefore, it has been classified as a Variant of Uncertain Significance.

NM_000288.4(PEX7):c.212T>C (p.Phe71Ser)

Gene: PEX7 (peroxisomal biogenesis factor 7; plus strand). Cytogenetic location: 6q23.3.
Variant type: single nucleotide variant.
Coding change: c.212T>C on transcript NM_000288.4 (MANE Select); coding-DNA position 212, T replaced by C.
Protein change: p.Phe71Ser; replaces phenylalanine 71 with serine.
Molecular consequence: missense variant.
Genome position (GRCh38, 1-based): chr6:136,826,342, T>C. VCF-style: chr6-136826342-T-C. GRCh37 (hg19) VCF-style: chr6-137147480-T-C.
Other names: short protein forms F71S.
Identifiers: ClinVar variation 1494226 (VCV001494226.3), dbSNP rs902252309, ClinGen allele CA148641169.
Genomic context (GRCh38, chr6:136,826,342, plus strand): 5'-GTTGTATTTTTTTGTTGTTTGTTTTTTCCTAGTGTAGCTTTGACTGGAATGATGGTTTGT[T>C]TGATGTGACTTGGAGTGAGAACAACGAACATGTCCTCATCACCTGTAGTGGCGATGGCTC-3'
Protein context (NP_000279.1, residues 61-81): FRSFDWNDGL[Phe71Ser]DVTWSENNEH